The following is an entry in ClinVar:

ClinVar aggregate classification (germline): Pathogenic (1 of 4 stars; one submission).

Conditions:
Congenital myotonia, autosomal recessive form. Also called: BECKER DISEASE; Becker Generalized Myotonia; myotonia congenita, autosomal recessive. Identifiers: Orphanet 614, MedGen C0751360, MONDO:0009715, OMIM 255700.
Congenital myotonia, autosomal dominant form (THD). Also called: THOMSEN DISEASE; Myotonia congenita autosomal dominant. Identifiers: Orphanet 614, MedGen C2936781, MONDO:0008055, OMIM 160800.

Allele frequency attached by ClinVar (database versions not stated): gnomAD exomes below 0.00001.

Submission:

Labcorp Genetics (formerly Invitae), Labcorp
Classification: Pathogenic for Congenital myotonia, autosomal recessive form; Congenital myotonia, autosomal dominant form. Last evaluated: 2022-06-03. Review status: criteria provided, single submitter. Criteria: Invitae Variant Classification Sherloc (09022015). Collection method: clinical testing. Allele origin: germline.
Comment: For these reasons, this variant has been classified as Pathogenic. ClinVar contains an entry for this variant (Variation ID: 1403542). This variant has not been reported in the literature in individuals affected with CLCN1-related conditions. This variant is present in population databases (no rsID available, gnomAD no frequency). This sequence change creates a premature translational stop signal (p.Ala331Cysfs*14) in the CLCN1 gene. It is expected to result in an absent or disrupted protein product. Loss-of-function variants in CLCN1 are known to be pathogenic (PMID: 17932099, 22094069, 23739125).

Literature cited by the submitters: PubMed 17932099; PubMed 22094069; PubMed 23739125.

NM_000083.3(CLCN1):c.989dup (p.Ala331fs)

Gene: CLCN1 (chloride voltage-gated channel 1; plus strand). Cytogenetic location: 7q34.
Variant type: Duplication.
Coding change: c.989dup on transcript NM_000083.3 (MANE Select); coding-DNA position 989, one base duplicated (C; older notation c.989dupC).
Protein change: p.Ala331fs; shifts the reading frame from alanine 331.
Molecular consequence: frameshift variant. On other transcripts: non-coding transcript variant (1).
Genome position (GRCh38, 1-based): chr7:143,331,241, C duplicated. VCF-style (leftmost placement, unchanged base first): chr7-143331240-A-AC. GRCh37 (hg19) VCF-style: chr7-143028333-A-AC.
Other names: short protein forms A331fs.
Identifiers: ClinVar variation 1403542 (VCV001403542.6), dbSNP rs1383055795, ClinGen allele CA578445425.